The following is an entry in ClinVar:

ClinVar aggregate classification (germline): Pathogenic/Likely pathogenic. Review status: criteria provided, multiple submitters, no conflicts (2 of 4 stars). 2 submissions from 2 submitters: Pathogenic (1); Likely pathogenic (1). Last evaluated 2024-06-17.

Conditions:
COL7A1-related disorder. Also called: COL7A1-related condition; COL7A1- related disorders.

Submissions (2):

3billion
Classification: Likely pathogenic for COL7A1-related disorder. Last evaluated: 2024-06-17. Review status: criteria provided, single submitter. Criteria: ACMG Guidelines, 2015. Collection method: clinical testing. Allele origin: germline. Affected: yes.
Comment: The variant is not observed in the gnomAD v4.0.0 dataset. Predicted Consequence/Location: Missense variant In silico tool predictions suggest damaging effect of the variant on gene or gene product [REVEL: 0.90 (>=0.6, sensitivity 0.68 and specificity 0.92); 3Cnet: 0.99 (>=0.6, sensitivity 0.72 and precision 0.9)]. The same nucleotide change resulting in the same amino acid change has been previously reported to be associated with COL7A1-related disorder (ClinVar ID: VCV001197972 /PMID: 36287101).Different missense changes at the same codon (p.Gly2722Arg, p.Gly2722Val) have been reported as pathogenic/likely pathogenic with strong evidence (ClinVar ID: VCV001047950 /PMID: 21448560, 29427316). Therefore, this variant is classified as Likely pathogenic according to the recommendation of ACMG/AMP guideline.

GeneDx
Classification: Pathogenic. Last evaluated: 2020-06-01. Review status: criteria provided, single submitter. Criteria: GeneDx Variant Classification Process June 2021. Collection method: clinical testing. Allele origin: germline. Affected: yes.
Comment: Has not been previously published as pathogenic or benign to our knowledge; Located in the highly conserved Gly-X-Y repeat of the collagenous domain; Glycine substitution variants in this region of the COLVII protein destabilize the collagen triple helix resulting in skin fragility due to poor anchoring of the basement membrane to the underlying dermis (Pfendner and Lucky, 2018); Not observed in large population cohorts (Lek et al., 2016); In silico analysis supports that this missense variant has a deleterious effect on protein structure/function

Literature cited by the submitters: PubMed 21448560 (cited by 3billion); PubMed 36287101 (cited by 3billion).

NM_000094.4(COL7A1):c.8165G>A (p.Gly2722Asp)

Gene: COL7A1 (collagen type VII alpha 1 chain; minus strand). Cytogenetic location: 3p21.31.
Variant type: single nucleotide variant.
Coding change: c.8165G>A on transcript NM_000094.4 (MANE Select); coding-DNA position 8165, G replaced by A.
Protein change: p.Gly2722Asp; replaces glycine 2722 with aspartic acid.
Molecular consequence: missense variant.
Genome position (GRCh38, 1-based): chr3:48,566,968, C>T on the plus strand (G>A on the coding strand, the complement: COL7A1 is on the minus strand). VCF-style: chr3-48566968-C-T. GRCh37 (hg19) VCF-style: chr3-48604401-C-T.
Other names: short protein forms G2722D.
Identifiers: ClinVar variation 1197972 (VCV001197972.3), dbSNP rs759949767, ClinGen allele CA352639897.